The following is an entry in ClinVar:

ClinVar aggregate classification (germline): Likely benign. Review status: criteria provided, multiple submitters, no conflicts (2 of 4 stars). 2 submissions from 2 submitters: Likely benign (2). Last evaluated 2024-01-06.

Conditions:
GLUT1 deficiency syndrome 1, autosomal recessive. Identifiers: MedGen C3149117.

Allele frequency attached by ClinVar (database versions not stated): gnomAD exomes below 0.00001.
gnomAD v4.1: 1 of 1,614,184 alleles (0.000062%); highest among the groups gnomAD compares: Non-Finnish European, 0.000085%; no homozygotes.

Submissions (2):

Labcorp Genetics (formerly Invitae), Labcorp
Classification: Likely benign for GLUT1 deficiency syndrome 1, autosomal recessive. Last evaluated: 2024-01-06. Review status: criteria provided, single submitter. Criteria: Invitae Variant Classification Sherloc (09022015). Collection method: clinical testing. Allele origin: germline.

GeneDx
Classification: Likely benign. Last evaluated: 2017-10-04. Review status: criteria provided, single submitter. Criteria: GeneDx Variant Classification (06012015). Collection method: clinical testing. Allele origin: germline. Affected: yes.
Comment: This variant is considered likely benign or benign based on one or more of the following criteria: it is a conservative change, it occurs at a poorly conserved position in the protein, it is predicted to be benign by multiple in silico algorithms, and/or has population frequency not consistent with disease.

NM_006516.4(SLC2A1):c.603C>T (p.Cys201=)

Gene: SLC2A1 (solute carrier family 2 member 1; minus strand). Cytogenetic location: 1p34.2.
Variant type: single nucleotide variant.
Coding change: c.603C>T on transcript NM_006516.4 (MANE Select); coding-DNA position 603, C replaced by T.
Protein change: p.Cys201=; no amino-acid change (cysteine 201 retained).
Molecular consequence: synonymous variant.
Genome position (GRCh38, 1-based): chr1:42,929,949, G>A on the plus strand (C>T on the coding strand, the complement: SLC2A1 is on the minus strand). VCF-style: chr1-42929949-G-A. GRCh37 (hg19) VCF-style: chr1-43395620-G-A.
Identifiers: ClinVar variation 512469 (VCV000512469.4), dbSNP rs1553156091, ClinGen allele CA417543463.